The following is an entry in ClinVar:

ClinVar aggregate classification (germline): Likely benign. Review status: criteria provided, multiple submitters, no conflicts (2 of 4 stars). 3 submissions from 3 submitters: Likely benign (3). Last evaluated 2025-10-11.

Allele frequency attached by ClinVar (database versions not stated): ExAC 0.00002; gnomAD 0.00004; gnomAD exomes 0.00004; TOPMed 0.00005; ESP Exome Variant Server 0.00009.
gnomAD v4.1: 113 of 1,206,469 alleles (0.0094%); highest among the groups gnomAD compares: Non-Finnish European, 0.012%; no homozygotes.

Submissions (3):

Labcorp Genetics (formerly Invitae), Labcorp
Classification: Likely benign. Last evaluated: 2025-10-11. Review status: criteria provided, single submitter. Criteria: Invitae Variant Classification Sherloc (09022015). Collection method: clinical testing. Allele origin: germline.

Blueprint Genetics
Classification: Likely benign. Last evaluated: 2024-06-20. Review status: criteria provided, single submitter. Criteria: ACMG Guidelines, 2015. Collection method: clinical testing. Allele origin: germline.

CeGaT Center for Human Genetics Tuebingen
Classification: Likely benign. Last evaluated: 2022-08-01. Review status: criteria provided, single submitter. Criteria: CeGaT Center For Human Genetics Tuebingen Variant Classification Criteria Version 2. Collection method: clinical testing. Allele origin: germline. Affected: yes. Observed: 1 variant allele.
Comment: POLA1: BP4, BP7

NM_001330360.2(POLA1):c.1128C>T (p.Ala376=)

Gene: POLA1 (DNA polymerase alpha 1, catalytic subunit; plus strand). Cytogenetic location: Xp22.11.
Variant type: single nucleotide variant.
Coding change: c.1128C>T on transcript NM_001330360.2 (MANE Select); coding-DNA position 1128, C replaced by T.
Protein change: p.Ala376=; no amino-acid change (alanine 376 retained).
Molecular consequence: synonymous variant. On other transcripts: non-coding transcript variant (2).
Genome position (GRCh38, 1-based): chrX:24,723,195, C>T. VCF-style: chrX-24723195-C-T. GRCh37 (hg19) VCF-style: chrX-24741312-C-T.
Other names: c.1128C>T, p.Ala376= (NM_001378303.1); c.1110C>T, p.Ala370= (NM_016937.4).
Identifiers: ClinVar variation 1554267 (VCV001554267.32), dbSNP rs200673768, ClinGen allele CA10372909.
Genomic context (GRCh38, chrX:24,723,195, plus strand): 5'-ATTTTCACTTATTCTTTCAGGTGTGGTATTTCTGTTTGGGAAAGTTTGGATTGAATCAGC[C>T]GAGACCCATGTGAGCTGTTGTGTCATGGTGAAAAATATCGAGCGAACGCTTTACTTCCTT-3'
Protein context (NP_001317289.1, residues 366-386): FLFGKVWIES[Ala376=]ETHVSCCVMV